The following is an entry in ClinVar:

ClinVar aggregate classification (germline): Uncertain significance (1 of 4 stars; one submission).

Allele frequency attached by ClinVar (database versions not stated): gnomAD exomes below 0.00001 and 0.00001; ExAC 0.00001; TOPMed 0.00002; gnomAD 0.00003 and 0.00004; ESP Exome Variant Server 0.00008.
gnomAD v4.1: 12 of 1,613,876 alleles (0.00074%); highest among the groups gnomAD compares: African/African-American, 0.0093%; no homozygotes.

Submission:

Labcorp Genetics (formerly Invitae), Labcorp
Classification: Uncertain significance. Last evaluated: 2022-08-23. Review status: criteria provided, single submitter. Criteria: Invitae Variant Classification Sherloc (09022015). Collection method: clinical testing. Allele origin: germline.
Comment: In summary, the available evidence is currently insufficient to determine the role of this variant in disease. Therefore, it has been classified as a Variant of Uncertain Significance. Experimental studies and prediction algorithms are not available or were not evaluated, and the functional significance of this variant is currently unknown. ClinVar contains an entry for this variant (Variation ID: 1406485). This variant has not been reported in the literature in individuals affected with SLC46A1-related conditions. This variant is present in population databases (rs374413378, gnomAD 0.02%). This sequence change replaces tyrosine, which is neutral and polar, with cysteine, which is neutral and slightly polar, at codon 255 of the SLC46A1 protein (p.Tyr255Cys).

NM_080669.6(SLC46A1):c.764A>G (p.Tyr255Cys)

Gene: SLC46A1 (solute carrier family 46 member 1; minus strand). Cytogenetic location: 17q11.2.
Variant type: single nucleotide variant.
Coding change: c.764A>G on transcript NM_080669.6 (MANE Select); coding-DNA position 764, A replaced by G.
Protein change: p.Tyr255Cys; replaces tyrosine 255 with cysteine.
Molecular consequence: missense variant.
Genome position (GRCh38, 1-based): chr17:28,404,933, T>C on the plus strand (A>G on the coding strand, the complement: SLC46A1 is on the minus strand). VCF-style: chr17-28404933-T-C. GRCh37 (hg19) VCF-style: chr17-26731951-T-C.
Other names: c.764A>G, p.Tyr255Cys (NM_001242366.3); short protein forms Y255C.
Identifiers: ClinVar variation 1406485 (VCV001406485.6), dbSNP rs374413378, ClinGen allele CA8458279.